The following is an entry in ClinVar:

ClinVar aggregate classification (germline): Uncertain significance (1 of 4 stars; one submission).

gnomAD v4.1: 31 of 1,613,996 alleles (0.0019%); highest among the groups gnomAD compares: African/African-American, 0.0027%; no homozygotes.

Submission:

Labcorp Genetics (formerly Invitae), Labcorp
Classification: Uncertain significance. Last evaluated: 2024-04-17. Review status: criteria provided, single submitter. Criteria: Invitae Variant Classification Sherloc (09022015). Collection method: clinical testing. Allele origin: germline.
Comment: This sequence change replaces arginine, which is basic and polar, with cysteine, which is neutral and slightly polar, at codon 850 of the HSPG2 protein (p.Arg850Cys). This variant is present in population databases (rs768371686, gnomAD 0.007%). This variant has not been reported in the literature in individuals affected with HSPG2-related conditions. ClinVar contains an entry for this variant (Variation ID: 1427805). An algorithm developed to predict the effect of missense changes on protein structure and function (PolyPhen-2) suggests that this variant is likely to be disruptive. In summary, the available evidence is currently insufficient to determine the role of this variant in disease. Therefore, it has been classified as a Variant of Uncertain Significance.

NM_005529.7(HSPG2):c.2548C>T (p.Arg850Cys)

Gene: HSPG2 (heparan sulfate proteoglycan 2; minus strand). Cytogenetic location: 1p36.12.
Variant type: single nucleotide variant.
Coding change: c.2548C>T on transcript NM_005529.7 (MANE Select); coding-DNA position 2548, C replaced by T.
Protein change: p.Arg850Cys; replaces arginine 850 with cysteine.
Molecular consequence: missense variant.
Genome position (GRCh38, 1-based): chr1:21,878,587, G>A on the plus strand (C>T on the coding strand, the complement: HSPG2 is on the minus strand). VCF-style: chr1-21878587-G-A. GRCh37 (hg19) VCF-style: chr1-22205080-G-A.
Other names: c.2551C>T, p.Arg851Cys (NM_001291860.2); short protein forms R850C, R851C.
Identifiers: ClinVar variation 1427805 (VCV001427805.8), dbSNP rs768371686, ClinGen allele CA673014.
Genomic context (GRCh38, chr1:21,878,587, plus strand): 5'-TGACCCCACCCAGGAGCCCCCTTCCTGCAGCCCCCAAGGCTCTCCCTCACCTCTCACAGC[G>A]GCGGCCAGTGTAGCCTGGGGCACAGGCGTCACATGTGGCTTGGCCATCCGTGTCCAGGAA-3'
Protein context (NP_005520.4, residues 840-860): DACAPGYTGR[Arg850Cys]CESCAPGYEG